The following is an entry in ClinVar:

NM_006231.4(POLE):c.3831G>C (p.Lys1277Asn)

Gene: POLE (DNA polymerase epsilon, catalytic subunit; minus strand). Cytogenetic location: 12q24.33.
Variant type: single nucleotide variant.
Coding change: c.3831G>C on transcript NM_006231.4 (MANE Select); coding-DNA position 3831, G replaced by C.
Protein change: p.Lys1277Asn; replaces lysine 1277 with asparagine.
Molecular consequence: missense variant.
Genome position (GRCh38, 1-based): chr12:132,649,480, C>G on the plus strand (G>C on the coding strand, the complement: POLE is on the minus strand). VCF-style: chr12-132649480-C-G. GRCh37 (hg19) VCF-style: chr12-133226066-C-G.
Other names: c.3831G>C (NM_006231.2); short protein forms K1277N.
Identifiers: ClinVar variation 1387143 (VCV001387143.9), dbSNP rs764992222, ClinGen allele CA6893079.

ClinVar aggregate classification (germline): Uncertain significance. Review status: criteria provided, multiple submitters, no conflicts (2 of 4 stars). 2 submissions from 2 submitters: Uncertain significance (2). Last evaluated 2026-03-02.

Conditions:
Hereditary cancer-predisposing syndrome. Also called: Hereditary neoplastic syndrome; Tumor predisposition; Neoplastic Syndromes, Hereditary; Hereditary Cancer Syndrome. Identifiers: Orphanet 140162, MedGen C0027672, MeSH D009386, MONDO:0015356.

Allele frequency attached by ClinVar (database versions not stated): gnomAD exomes below 0.00001; ExAC 0.00001.
gnomAD v4.1: 2 of 1,612,550 alleles (0.00012%); highest among the groups gnomAD compares: Non-Finnish European, 0.00017%; no homozygotes.

Submissions (2):

Ambry Genetics
Classification: Uncertain significance for Hereditary cancer-predisposing syndrome. Last evaluated: 2026-03-02. Review status: criteria provided, single submitter. Criteria: Ambry Variant Classification Scheme 2023. Collection method: clinical testing. Allele origin: germline.
Comment: The p.K1277N variant (also known as c.3831G>C), located in coding exon 31 of the POLE gene, results from a G to C substitution at nucleotide position 3831. The lysine at codon 1277 is replaced by asparagine, an amino acid with similar properties. This amino acid position is conserved. In addition, this alteration is predicted to be tolerated by in silico analysis. Based on the available evidence, the clinical significance of this variant remains unclear.

Labcorp Genetics (formerly Invitae), Labcorp
Classification: Uncertain significance. Last evaluated: 2022-07-21. Review status: criteria provided, single submitter. Criteria: Invitae Variant Classification Sherloc (09022015). Collection method: clinical testing. Allele origin: germline.
Comment: In summary, the available evidence is currently insufficient to determine the role of this variant in disease. Therefore, it has been classified as a Variant of Uncertain Significance. Algorithms developed to predict the effect of missense changes on protein structure and function (SIFT, PolyPhen-2, Align-GVGD) all suggest that this variant is likely to be tolerated. ClinVar contains an entry for this variant (Variation ID: 1387143). This variant has not been reported in the literature in individuals affected with POLE-related conditions. This variant is present in population databases (rs764992222, gnomAD 0.0009%). This sequence change replaces lysine, which is basic and polar, with asparagine, which is neutral and polar, at codon 1277 of the POLE protein (p.Lys1277Asn).